The following is an entry in ClinVar:

ClinVar aggregate classification (germline): Conflicting classifications of pathogenicity. Review status: criteria provided, conflicting classifications (1 of 4 stars). 6 submissions from 6 submitters: Uncertain significance (2); Likely benign (2). 2 of the submissions do not count toward it. Last evaluated 2026-07-01.

Conditions:
Cardiovascular phenotype. Identifiers: MedGen CN230736.
TBX1-related disorder. Also called: TBX1-Related Disorders; TBX1-related condition.

Allele frequency attached by ClinVar (database versions not stated): gnomAD 0.00014 and 0.00013; ESP Exome Variant Server 0.00008; ExAC 0.00015; gnomAD exomes 0.00015 and 0.00014; TOPMed 0.00017.
gnomAD v4.1: 227 of 1,614,236 alleles (0.014%); highest among the groups gnomAD compares: Middle Eastern, 0.23%; no homozygotes.

Submissions (6):

PreventionGenetics, part of Exact Sciences
Classification: Uncertain significance for TBX1-related condition. Last evaluated: 2026-07-01. Review status: criteria provided, single submitter. Criteria: ACMG Guidelines, 2015. Collection method: clinical testing. Allele origin: germline.
Comment: The TBX1 c.1162G>A variant is predicted to result in the amino acid substitution p.Val388Met. To our knowledge, this variant has not been reported in the literature. This variant is reported in 0.031% of alleles in individuals of Latino descent in gnomAD. Although we suspect that this variant may be benign, at this time, the clinical significance of this variant is uncertain due to the absence of conclusive functional and genetic evidence.

Blueprint Genetics
Classification: Likely benign. Last evaluated: 2024-11-18. Review status: criteria provided, single submitter. Criteria: ACMG Guidelines, 2015. Collection method: clinical testing. Allele origin: germline.

Ambry Genetics
Classification: Uncertain significance for Cardiovascular phenotype. Last evaluated: 2022-01-28. Review status: criteria provided, single submitter. Criteria: Ambry Variant Classification Scheme 2023. Collection method: clinical testing. Allele origin: germline.

Breakthrough Genomics
Classification: Likely benign. Review status: criteria provided, single submitter. Criteria: ACMG Guidelines, 2015. Collection method: not provided. Allele origin: germline. Inheritance: Autosomal dominant inheritance. Affected: yes.

Clinical Genetics DNA and cytogenetics Diagnostics Lab, Erasmus MC, Erasmus Medical Center
Classification: Likely benign. Review status: no assertion criteria provided. Collection method: clinical testing. Allele origin: germline. Affected: yes. Study: VKGL Data-share Consensus. Not counted in ClinVar's aggregate classification.

Joint Genome Diagnostic Labs from Nijmegen and Maastricht, Radboudumc and MUMC+
Classification: Likely benign. Review status: no assertion criteria provided. Collection method: clinical testing. Allele origin: germline. Affected: yes. Study: VKGL Data-share Consensus. Not counted in ClinVar's aggregate classification.

NM_080646.2(TBX1):c.1162G>A (p.Val388Met)

Gene: TBX1 (T-box transcription factor 1; plus strand). Cytogenetic location: 22q11.21.
Variant type: single nucleotide variant.
Coding change: c.1162G>A on transcript NM_080646.2; coding-DNA position 1162, G replaced by A.
Protein change: p.Val388Met; replaces valine 388 with methionine.
Molecular consequence: missense variant. On other transcripts: intron variant (1).
Genome position (GRCh38, 1-based): chr22:19,779,372, G>A. VCF-style: chr22-19779372-G-A. GRCh37 (hg19) VCF-style: chr22-19766895-G-A.
Other names: c.1010-3541G>A (NM_005992.1); short protein forms V388M.
Identifiers: ClinVar variation 1297741 (VCV001297741.12), dbSNP rs375380772, ClinGen allele CA10102846.